The following is an entry in ClinVar:

NM_000051.4(ATM):c.3109T>C (p.Ser1037Pro)

Gene: ATM (ATM serine/threonine kinase; plus strand). Cytogenetic location: 11q22.3.
Variant type: single nucleotide variant.
Coding change: c.3109T>C on transcript NM_000051.4 (MANE Select); coding-DNA position 3109, T replaced by C.
Protein change: p.Ser1037Pro; replaces serine 1037 with proline.
Molecular consequence: missense variant.
Genome position (GRCh38, 1-based): chr11:108,272,563, T>C. VCF-style: chr11-108272563-T-C. GRCh37 (hg19) VCF-style: chr11-108143290-T-C.
Other names: c.3109T>C, p.Ser1037Pro (NM_001351834.2); short protein forms S1037P.
Identifiers: ClinVar variation 1348757 (VCV001348757.6), dbSNP rs2135565790, ClinGen allele CA382515156.

ClinVar aggregate classification (germline): Uncertain significance (1 of 4 stars; one submission).

Conditions:
Ataxia-telangiectasia syndrome (AT). Also called: Ataxia-telangiectasia, complementation group D; ATAXIA-TELANGIECTASIA, COMPLEMENTATION GROUP A; ATAXIA-TELANGIECTASIA, FRESNO VARIANT; Ataxia-telangiectasia, complementation group E; Cerebello-oculocutaneous telangiectasia; Immunodeficiency with ataxia telangiectasia. Identifiers: Orphanet 100, MedGen C0004135, MONDO:0008840, OMIM 208900.

Submission:

Labcorp Genetics (formerly Invitae), Labcorp
Classification: Uncertain significance for Ataxia-telangiectasia syndrome. Last evaluated: 2024-04-16. Review status: criteria provided, single submitter. Criteria: Invitae Variant Classification Sherloc (09022015). Collection method: clinical testing. Allele origin: germline.
Comment: This sequence change replaces serine, which is neutral and polar, with proline, which is neutral and non-polar, at codon 1037 of the ATM protein (p.Ser1037Pro). This variant is not present in population databases (gnomAD no frequency). This variant has not been reported in the literature in individuals affected with ATM-related conditions. ClinVar contains an entry for this variant (Variation ID: 1348757). Algorithms developed to predict the effect of missense changes on protein structure and function output the following: SIFT: "Not Available"; PolyPhen-2: "Benign"; Align-GVGD: "Not Available". The proline amino acid residue is found in multiple mammalian species, which suggests that this missense change does not adversely affect protein function. In summary, the available evidence is currently insufficient to determine the role of this variant in disease. Therefore, it has been classified as a Variant of Uncertain Significance.